The following is an entry in ClinVar:

ClinVar aggregate classification (germline): Uncertain significance (1 of 4 stars; one submission).

Conditions:
Hereditary cancer-predisposing syndrome. Also called: Tumor predisposition; Hereditary neoplastic syndrome; Neoplastic Syndromes, Hereditary; Hereditary Cancer Syndrome. Identifiers: Orphanet 140162, MedGen C0027672, MeSH D009386, MONDO:0015356.

Submission:

Ambry Genetics
Classification: Uncertain significance for Hereditary cancer-predisposing syndrome. Last evaluated: 2020-12-29. Review status: criteria provided, single submitter. Criteria: Ambry Variant Classification Scheme 2023. Collection method: clinical testing. Allele origin: germline.
Comment: The p.P497R variant (also known as c.1490C>G), located in coding exon 6 of the BARD1 gene, results from a C to G substitution at nucleotide position 1490. The proline at codon 497 is replaced by arginine, an amino acid with dissimilar properties. This amino acid position is highly conserved in available vertebrate species. In addition, this alteration is predicted to be deleterious by in silico analysis. Since supporting evidence is limited at this time, the clinical significance of this alteration remains unclear.

NM_000465.4(BARD1):c.1490C>G (p.Pro497Arg)

Gene: BARD1 (BRCA1 associated RING domain 1; minus strand). Cytogenetic location: 2q35.
Variant type: single nucleotide variant.
Coding change: c.1490C>G on transcript NM_000465.4 (MANE Select); coding-DNA position 1490, C replaced by G.
Protein change: p.Pro497Arg; replaces proline 497 with arginine.
Molecular consequence: missense variant. On other transcripts: non-coding transcript variant (3), intron variant (3).
Genome position (GRCh38, 1-based): chr2:214,767,560, G>C on the plus strand (C>G on the coding strand, the complement: BARD1 is on the minus strand). VCF-style: chr2-214767560-G-C. GRCh37 (hg19) VCF-style: chr2-215632284-G-C.
Other names: c.1433C>G, p.Pro478Arg (NM_001282543.2); c.159-15005C>G (NM_001282548.2); c.216-15005C>G (NM_001282545.2); c.364+24737C>G (NM_001282549.2); short protein forms P478R, P497R.
Identifiers: ClinVar variation 819369 (VCV000819369.4), dbSNP rs1574788556, ClinGen allele CA350448391.